The following is an entry in ClinVar:

NM_001690.4(ATP6V1A):c.574T>A (p.Leu192Met)

Gene: ATP6V1A (ATPase H+ transporting V1 subunit A; plus strand). Cytogenetic location: 3q13.31.
Variant type: single nucleotide variant.
Coding change: c.574T>A on transcript NM_001690.4 (MANE Select); coding-DNA position 574, T replaced by A.
Protein change: p.Leu192Met; replaces leucine 192 with methionine.
Molecular consequence: missense variant.
Genome position (GRCh38, 1-based): chr3:113,786,241, T>A. VCF-style: chr3-113786241-T-A. GRCh37 (hg19) VCF-style: chr3-113505088-T-A.
Other names: short protein forms L192M.
Identifiers: ClinVar variation 3772443 (VCV003772443.13).
Genomic context (GRCh38, chr3:113,786,241, plus strand): 5'-AAGAAATGTTCACAAATTTGACCATACTAAAATCCTACTGTATTTCTATAGGATGTTGTC[T>A]TGGAGCTTGAATTTGAAGGTGTAAAGGAGAAGTTCACCATGGTGCAAGTATGGCCTGTAC-3'
Protein context (NP_001681.2, residues 182-202): PGNYDTSDVV[Leu192Met]ELEFEGVKEK

ClinVar aggregate classification (germline): Uncertain significance (1 of 4 stars; one submission).

gnomAD v4.1: 1 of 1,608,066 alleles (0.000062%); highest among the groups gnomAD compares: South Asian, 0.0011%; no homozygotes.

Submission:

CeGaT Center for Human Genetics Tuebingen
Classification: Uncertain significance. Last evaluated: 2025-02-01. Review status: criteria provided, single submitter. Criteria: CeGaT Center For Human Genetics Tuebingen Variant Classification Criteria Version 2. Collection method: clinical testing. Allele origin: germline. Affected: yes. Observed: 1 variant allele.
Comment: ATP6V1A: PM2